The following is an entry in ClinVar:

ClinVar aggregate classification (germline): Uncertain significance (1 of 4 stars; one submission).

gnomAD v4.1: 9 of 1,614,006 alleles (0.00056%); highest among the groups gnomAD compares: African/African-American, 0.004%; no homozygotes.

Submission:

Labcorp Genetics (formerly Invitae), Labcorp
Classification: Uncertain significance. Last evaluated: 2025-11-27. Review status: criteria provided, single submitter. Criteria: Invitae Variant Classification Sherloc (09022015). Collection method: clinical testing. Allele origin: germline.
Comment: This sequence change replaces glycine, which is neutral and non-polar, with tryptophan, which is neutral and slightly polar, at codon 62 of the MICAL1 protein (p.Gly62Trp). This variant is present in population databases (no rsID available, gnomAD 0.007%). This variant has not been reported in the literature in individuals affected with MICAL1-related conditions. ClinVar contains an entry for this variant (Variation ID: 2961027). An algorithm developed to predict the effect of missense changes on protein structure and function (PolyPhen-2) suggests that this variant is likely to be disruptive. In summary, the available evidence is currently insufficient to determine the role of this variant in disease. Therefore, it has been classified as a Variant of Uncertain Significance.

NM_022765.4(MICAL1):c.127G>T (p.Gly43Trp)

Gene: MICAL1 (microtubule associated monooxygenase, calponin and LIM domain containing 1; minus strand). Cytogenetic location: 6q21.
Variant type: single nucleotide variant.
Coding change: c.127G>T on transcript NM_022765.4 (MANE Select); coding-DNA position 127, G replaced by T.
Protein change: p.Gly43Trp; replaces glycine 43 with tryptophan.
Molecular consequence: missense variant.
Genome position (GRCh38, 1-based): chr6:109,454,070, C>A on the plus strand (G>T on the coding strand, the complement: MICAL1 is on the minus strand). VCF-style: chr6-109454070-C-A. GRCh37 (hg19) VCF-style: chr6-109775273-C-A.
Other names: c.127G>T, p.Gly43Trp (NM_001159291.2); c.184G>T, p.Gly62Trp (NM_001286613.2); short protein forms G62W, G43W.
Identifiers: ClinVar variation 2961027 (VCV002961027.3), dbSNP rs758036265, ClinGen allele CA365234007.